The following is an entry in ClinVar:

ClinVar aggregate classification (germline): Likely pathogenic. Review status: criteria provided, multiple submitters, no conflicts (2 of 4 stars). 2 submissions from 2 submitters: Likely pathogenic (2). Last evaluated 2023-07-26.

Conditions:
Intellectual developmental disorder, X-linked 107. Also called: MENTAL RETARDATION, X-LINKED 107; Intellectual disability, X-linked 107. Identifiers: MedGen C4692652, MONDO:0049222, OMIM 301013.

Submissions (2):

Greenwood Genetic Center Diagnostic Laboratories, Greenwood Genetic Center
Classification: Likely pathogenic for Intellectual developmental disorder, X-linked 107. Last evaluated: 2023-07-26. Review status: criteria provided, single submitter. Criteria: ACMG Guidelines, 2015. Collection method: clinical testing. Allele origin: germline. Affected: yes.
Comment: PVS1, PM2

Institute of Human Genetics, Clinical Exome/Genome Diagnostics Group, University Hospital Bonn
Classification: Likely pathogenic for Intellectual developmental disorder, X-linked 107. Last evaluated: 2023-05-10. Review status: criteria provided, single submitter. Criteria: ACMG Guidelines, 2015. Collection method: clinical testing. Allele origin: germline. Affected: yes.

NM_022101.4(STEEP1):c.79del (p.Leu27fs)

Gene: STEEP1 (STING1 ER exit protein 1; minus strand). Cytogenetic location: Xq24.
Variant type: Deletion.
Coding change: c.79del on transcript NM_022101.4 (MANE Select); coding-DNA position 79, one base deleted (C; older notation c.79delC).
Protein change: p.Leu27fs; shifts the reading frame from leucine 27.
Molecular consequence: frameshift variant. On other transcripts: 5 prime UTR variant (1).
Genome position (GRCh38, 1-based): chrX:119,565,277, G deleted on the plus strand (C on the coding strand, the reverse complement: STEEP1 is on the minus strand); the first of 4 consecutive G bases (chrX:119,565,277-119,565,280); deleting any one gives the same sequence. VCF-style (leftmost placement, unchanged base first): chrX-119565276-AG-A. GRCh37 (hg19) VCF-style: chrX-118699239-AG-A.
Other names: c.-176del (NM_001170569.1); c.79del, p.Leu27fs (NM_001170570.2); short protein forms L27fs.
Identifiers: ClinVar variation 2578554 (VCV002578554.2), dbSNP rs2520581934, ClinGen allele CA2580617609.